The following is an entry in ClinVar:

ClinVar aggregate classification (germline): Pathogenic (1 of 4 stars; one submission).

Conditions:
Van der Woude syndrome. Identifiers: Orphanet 888, MedGen C0175697, MONDO:0019508.

Submission:

Genetics Laboratory, Great Ormond Street Hospital NHS Foundation Trust, North Thames Genomic Laboratory Hub
Classification: Pathogenic for Van der Woude syndrome. Last evaluated: 2026-03-23. Review status: criteria provided, single submitter. Criteria: ACGS Best Practice Guidelines for Variant Classification in Rare Disease 2024 v1.2. Collection method: clinical testing. Allele origin: germline. Affected: yes.
Comment: PM2_moderate, PVS1_very-strong

NM_006147.4(IRF6):c.672del (p.Asp225fs)

Gene: IRF6 (interferon regulatory factor 6; minus strand). Cytogenetic location: 1q32.2.
Variant type: Deletion.
Coding change: c.672del on transcript NM_006147.4 (MANE Select); coding-DNA position 672, one base deleted (T; older notation c.672delT).
Protein change: p.Asp225fs; shifts the reading frame from aspartic acid 225.
Molecular consequence: frameshift variant.
Genome position (GRCh38, 1-based): chr1:209,790,883, A deleted on the plus strand (T on the coding strand, the reverse complement: IRF6 is on the minus strand). VCF-style (leftmost placement, unchanged base first): chr1-209790882-CA-C. GRCh37 (hg19) VCF-style: chr1-209964227-CA-C.
Other names: c.387del, p.Asp130fs (NM_001206696.2); short protein forms D130fs, D225fs.
Identifiers: ClinVar variation 4851339 (VCV004851339.1).